The following is an entry in ClinVar:

ClinVar aggregate classification (germline): Uncertain significance (1 of 4 stars; one submission).

Submission:

Labcorp Genetics (formerly Invitae), Labcorp
Classification: Uncertain significance. Last evaluated: 2024-09-03. Review status: criteria provided, single submitter. Criteria: Invitae Variant Classification Sherloc (09022015). Collection method: clinical testing. Allele origin: germline.
Comment: This variant, c.2247_2248delinsAA, is a complex sequence change that results in the deletion of 2 and insertion of 2 amino acid(s) in the TBCD protein (p.Asp749_Pro750delinsGluThr). Information on the frequency of this variant in the gnomAD database is not available, as this variant may be reported differently in the database. This variant has not been reported in the literature in individuals affected with TBCD-related conditions. Experimental studies and prediction algorithms are not available or were not evaluated, and the functional significance of this variant is currently unknown. In summary, the available evidence is currently insufficient to determine the role of this variant in disease. Therefore, it has been classified as a Variant of Uncertain Significance.

NM_005993.5(TBCD):c.2247_2248delinsAA (p.Asp749_Pro750delinsGluThr)

Gene: TBCD (tubulin folding cofactor D). Cytogenetic location: 17q25.3.
Variant type: Indel.
Coding change: c.2247_2248delinsAA on transcript NM_005993.5 (MANE Select); coding-DNA positions 2247 to 2248, the reference bases replaced by AA.
Protein change: p.Asp749_Pro750delinsGluThr.
Molecular consequence: missense variant.
Genome position: GRCh38 VCF-style: chr17-82923720-TC-AA. GRCh37 (hg19) VCF-style: chr17-80881596-TC-AA.
Other names: c.2166_2167delinsAA, p.Asp722_Pro723delinsGluThr (NM_001411102.1); c.2196_2197delinsAA, p.Asp732_Pro733delinsGluThr (NM_001411101.1).
Identifiers: ClinVar variation 3671199 (VCV003671199.2).